The following is an entry in ClinVar:

NM_001128205.2(SULF1):c.1486G>A (p.Gly496Ser)

Gene: SULF1 (sulfatase 1; plus strand). Cytogenetic location: 8q13.3.
Variant type: single nucleotide variant.
Coding change: c.1486G>A on transcript NM_001128205.2 (MANE Select); coding-DNA position 1486, G replaced by A.
Protein change: p.Gly496Ser; replaces glycine 496 with serine.
Molecular consequence: missense variant. On other transcripts: non-coding transcript variant (7), 5 prime UTR variant (1).
Genome position (GRCh38, 1-based): chr8:69,621,143, G>A. VCF-style: chr8-69621143-G-A. GRCh37 (hg19) VCF-style: chr8-70533378-G-A.
Other names: c.1486G>A, p.Gly496Ser (NM_001128204.2, NM_001128206.2, NM_001412828.1 and 10 more transcripts); c.1357G>A, p.Gly453Ser (NM_001412832.1, NM_001412838.1, NM_001412839.1 and 1 more transcripts); c.1429G>A, p.Gly477Ser (NM_001412836.1, NM_001412837.1); c.1300G>A, p.Gly434Ser (NM_001412841.1, NM_001412842.1); c.886G>A, p.Gly296Ser (NM_001412844.1, NM_001412845.1); c.-306G>A (NM_001412846.1); short protein forms G296S, G434S, G496S, G453S, G477S.
Identifiers: ClinVar variation 2892640 (VCV002892640.3), dbSNP rs759553597, ClinGen allele CA4775903.

ClinVar aggregate classification (germline): Uncertain significance (1 of 4 stars; one submission).

Allele frequency attached by ClinVar (database versions not stated): ExAC 0.00001; gnomAD 0.00002; TOPMed 0.00002.
gnomAD v4.1: 36 of 1,614,048 alleles (0.0022%); highest among the groups gnomAD compares: South Asian, 0.0077%; no homozygotes.

Submission:

Labcorp Genetics (formerly Invitae), Labcorp
Classification: Uncertain significance. Last evaluated: 2023-02-09. Review status: criteria provided, single submitter. Criteria: Invitae Variant Classification Sherloc (09022015). Collection method: clinical testing. Allele origin: germline.
Comment: In summary, the available evidence is currently insufficient to determine the role of this variant in disease. Therefore, it has been classified as a Variant of Uncertain Significance. Algorithms developed to predict the effect of missense changes on protein structure and function output the following: SIFT: "Deleterious"; PolyPhen-2: "Benign"; Align-GVGD: "Class C0". The serine amino acid residue is found in multiple mammalian species, which suggests that this missense change does not adversely affect protein function. This variant has not been reported in the literature in individuals affected with SULF1-related conditions. This variant is present in population databases (rs759553597, gnomAD 0.01%). This sequence change replaces glycine, which is neutral and non-polar, with serine, which is neutral and polar, at codon 496 of the SULF1 protein (p.Gly496Ser).